The following is an entry in ClinVar:

NM_005228.5(EGFR):c.244A>G (p.Ile82Val)

Gene: EGFR (epidermal growth factor receptor; plus strand). Cytogenetic location: 7p11.2.
Variant type: single nucleotide variant.
Coding change: c.244A>G on transcript NM_005228.5 (MANE Select); coding-DNA position 244, A replaced by G.
Protein change: p.Ile82Val; replaces isoleucine 82 with valine.
Molecular consequence: missense variant. On other transcripts: intron variant (1).
Genome position (GRCh38, 1-based): chr7:55,143,308, A>G. VCF-style: chr7-55143308-A-G. GRCh37 (hg19) VCF-style: chr7-55211001-A-G.
Other names: c.244A>G, p.Ile82Val (NM_001346897.2, NM_001346898.2, NM_001346899.2 and 3 more transcripts); c.85A>G, p.Ile29Val (NM_001346900.2); c.89-12522A>G (NM_001346941.2); short protein forms I82V, I29V.
Identifiers: ClinVar variation 4842920 (VCV004842920.1).

ClinVar aggregate classification (germline): Uncertain significance (1 of 4 stars; one submission).

Conditions:
Hereditary cancer-predisposing syndrome. Also called: Neoplastic Syndromes, Hereditary; Tumor predisposition; Hereditary Cancer Syndrome; Hereditary neoplastic syndrome. Identifiers: Orphanet 140162, MedGen C0027672, MeSH D009386, MONDO:0015356.

gnomAD v4.1: 10 of 1,614,126 alleles (0.00062%); highest among the groups gnomAD compares: Non-Finnish European, 0.00085%; no homozygotes.

Submission:

Ambry Genetics
Classification: Uncertain significance for Hereditary cancer-predisposing syndrome. Last evaluated: 2026-01-06. Review status: criteria provided, single submitter. Criteria: Ambry Variant Classification Scheme 2023. Collection method: clinical testing. Allele origin: germline.
Comment: The p.I82V variant (also known as c.244A>G), located in coding exon 3 of the EGFR gene, results from an A to G substitution at nucleotide position 244. The isoleucine at codon 82 is replaced by valine, an amino acid with highly similar properties. This amino acid position is highly conserved in available vertebrate species. In addition, the in silico prediction for this alteration is inconclusive. Based on the available evidence, the clinical significance of this variant remains unclear.